The following is an entry in ClinVar:

ClinVar aggregate classification (germline): Pathogenic (1 of 4 stars; one submission).

Submission:

CeGaT Center for Human Genetics Tuebingen
Classification: Pathogenic. Last evaluated: 2022-06-01. Review status: criteria provided, single submitter. Criteria: CeGaT Center For Human Genetics Tuebingen Variant Classification Criteria Version 2. Collection method: clinical testing. Allele origin: germline. Affected: yes. Observed: 1 variant allele.
Comment: IGSF1: PVS1, PM2

NM_001555.5(IGSF1):c.3043G>T (p.Gly1015Ter)

Gene: IGSF1 (immunoglobulin superfamily member 1; minus strand). Cytogenetic location: Xq26.1.
Variant type: single nucleotide variant.
Coding change: c.3043G>T on transcript NM_001555.5 (MANE Select); coding-DNA position 3043, G replaced by T.
Protein change: p.Gly1015Ter; replaces glycine 1015 with a stop codon.
Molecular consequence: nonsense.
Genome position (GRCh38, 1-based): chrX:131,275,619, C>A on the plus strand (G>T on the coding strand, the complement: IGSF1 is on the minus strand). VCF-style: chrX-131275619-C-A. GRCh37 (hg19) VCF-style: chrX-130409593-C-A.
Other names: c.3058G>T, p.Gly1020Ter (NM_001170961.2); c.3016G>T, p.Gly1006Ter (NM_001170962.2); short protein forms G1006*, G1015*, G1020*.
Identifiers: ClinVar variation 2661439 (VCV002661439.24), dbSNP rs2522193277, ClinGen allele CA414559339.